The following is an entry in ClinVar:

NM_001385012.1(NBEA):c.423A>G (p.Thr141=)

Gene: NBEA (neurobeachin; plus strand). Cytogenetic location: 13q13.3.
Variant type: single nucleotide variant.
Coding change: c.423A>G on transcript NM_001385012.1 (MANE Select); coding-DNA position 423, A replaced by G.
Protein change: p.Thr141=; no amino-acid change (threonine 141 retained).
Molecular consequence: synonymous variant.
Genome position (GRCh38, 1-based): chr13:35,041,061, A>G. VCF-style: chr13-35041061-A-G. GRCh37 (hg19) VCF-style: chr13-35615198-A-G.
Other names: c.423A>G, p.Thr141= (NM_001379245.1, NM_015678.5).
Identifiers: ClinVar variation 724545 (VCV000724545.29), dbSNP rs180953445, ClinGen allele CA6946066.

ClinVar aggregate classification (germline): Likely benign. Review status: criteria provided, multiple submitters, no conflicts (2 of 4 stars). 4 submissions from 4 submitters: Likely benign (4). Last evaluated 2026-04-01.

Allele frequency attached by ClinVar (database versions not stated): 1000 Genomes Project 30x 0.00016; ExAC 0.00019; 1000 Genomes Project 0.00020; gnomAD exomes 0.00026 and 0.00055; ESP Exome Variant Server 0.00050; gnomAD 0.00054; TOPMed 0.00060.
gnomAD v4.1: 892 of 1,613,288 alleles (0.055%); highest among the groups gnomAD compares: Admixed American, 0.078%; no homozygotes.

Submissions (4):

CeGaT Center for Human Genetics Tuebingen
Classification: Likely benign. Last evaluated: 2026-04-01. Review status: criteria provided, single submitter. Criteria: CeGaT Center For Human Genetics Tuebingen Variant Classification Criteria Version 2. Collection method: clinical testing. Allele origin: germline. Affected: yes. Observed: 7 variant alleles.
Comment: NBEA: BP4, BP7

Women's Health and Genetics/Laboratory Corporation of America, LabCorp
Classification: Likely benign. Last evaluated: 2024-11-19. Review status: criteria provided, single submitter. Criteria: LabCorp Variant Classification Summary - May 2015. Collection method: clinical testing. Allele origin: germline.

Blueprint Genetics
Classification: Likely benign. Last evaluated: 2024-05-21. Review status: criteria provided, single submitter. Criteria: ACMG Guidelines, 2015. Collection method: clinical testing. Allele origin: germline.

Labcorp Genetics (formerly Invitae), Labcorp
Classification: Likely benign. Last evaluated: 2018-12-19. Review status: criteria provided, single submitter. Criteria: Invitae Variant Classification Sherloc (09022015). Collection method: clinical testing. Allele origin: germline.